The following is an entry in ClinVar:

NM_000283.4(PDE6B):c.574G>A (p.Ala192Thr)

Gene: PDE6B (phosphodiesterase 6B; plus strand). Cytogenetic location: 4p16.3.
Variant type: single nucleotide variant.
Coding change: c.574G>A on transcript NM_000283.4 (MANE Select); coding-DNA position 574, G replaced by A.
Protein change: p.Ala192Thr; replaces alanine 192 with threonine.
Molecular consequence: missense variant.
Genome position (GRCh38, 1-based): chr4:634,782, G>A. VCF-style: chr4-634782-G-A. GRCh37 (hg19) VCF-style: chr4-628571-G-A.
Other names: c.574G>A, p.Ala192Thr (NM_001145291.2); short protein forms A192T.
Identifiers: ClinVar variation 1397525 (VCV001397525.9), dbSNP rs368548274, ClinGen allele CA2794001.

ClinVar aggregate classification (germline): Uncertain significance. Review status: criteria provided, multiple submitters, no conflicts (2 of 4 stars). 2 submissions from 2 submitters: Uncertain significance (2). Last evaluated 2025-02-27.

Allele frequency attached by ClinVar (database versions not stated): gnomAD 0.00001; gnomAD exomes 0.00001; TOPMed 0.00001; ExAC 0.00002; ESP Exome Variant Server 0.00008.
gnomAD v4.1: 48 of 1,613,840 alleles (0.003%); highest among the groups gnomAD compares: Non-Finnish European, 0.0038%; no homozygotes.

Submissions (2):

Labcorp Genetics (formerly Invitae), Labcorp
Classification: Uncertain significance. Last evaluated: 2025-02-27. Review status: criteria provided, single submitter. Criteria: Invitae Variant Classification Sherloc (09022015). Collection method: clinical testing. Allele origin: germline.
Comment: This sequence change replaces alanine, which is neutral and non-polar, with threonine, which is neutral and polar, at codon 192 of the PDE6B protein (p.Ala192Thr). This variant is present in population databases (rs368548274, gnomAD 0.002%). This variant has not been reported in the literature in individuals affected with PDE6B-related conditions. ClinVar contains an entry for this variant (Variation ID: 1397525). Invitae Evidence Modeling of protein sequence and biophysical properties (such as structural, functional, and spatial information, amino acid conservation, physicochemical variation, residue mobility, and thermodynamic stability) has been performed for this missense variant. However, the output from this modeling did not meet the statistical confidence thresholds required to predict the impact of this variant on PDE6B protein function. In summary, the available evidence is currently insufficient to determine the role of this variant in disease. Therefore, it has been classified as a Variant of Uncertain Significance.

Blueprint Genetics
Classification: Uncertain significance. Last evaluated: 2023-02-24. Review status: criteria provided, single submitter. Criteria: ACMG Guidelines, 2015. Collection method: clinical testing. Allele origin: germline.